The following is an entry in ClinVar:

ClinVar aggregate classification (germline): Uncertain significance (1 of 4 stars; one submission).

gnomAD v4.1: 16 of 1,611,888 alleles (0.00099%); highest among the groups gnomAD compares: Middle Eastern, 0.019%; no homozygotes.

Submission:

GeneDx
Classification: Uncertain significance. Last evaluated: 2023-06-20. Review status: criteria provided, single submitter. Criteria: GeneDx Variant Classification Process June 2021. Collection method: clinical testing. Allele origin: germline. Affected: yes.
Comment: In silico analysis supports that this missense variant does not alter protein structure/function; Has not been previously published as pathogenic or benign to our knowledge

NM_001039141.3(TRIOBP):c.6128G>A (p.Arg2043Gln)

Gene: TRIOBP (TRIO and F-actin binding protein; plus strand). Cytogenetic location: 22q13.1.
Variant type: single nucleotide variant.
Coding change: c.6128G>A on transcript NM_001039141.3 (MANE Select); coding-DNA position 6128, G replaced by A.
Protein change: p.Arg2043Gln; replaces arginine 2043 with glutamine.
Molecular consequence: missense variant.
Genome position (GRCh38, 1-based): chr22:37,758,053, G>A. VCF-style: chr22-37758053-G-A. GRCh37 (hg19) VCF-style: chr22-38154060-G-A.
Other names: c.989G>A, p.Arg330Gln (NM_007032.5, NM_138632.2); short protein forms R2043Q, R330Q.
Identifiers: ClinVar variation 3359874 (VCV003359874.1).